The following is an entry in ClinVar:

NM_015335.5(MED13L):c.4490C>A (p.Ser1497Tyr)

Gene: MED13L (mediator complex subunit 13L; minus strand). Cytogenetic location: 12q24.21.
Variant type: single nucleotide variant.
Coding change: c.4490C>A on transcript NM_015335.5 (MANE Select); coding-DNA position 4490, C replaced by A.
Protein change: p.Ser1497Tyr; replaces serine 1497 with tyrosine.
Molecular consequence: missense variant.
Genome position (GRCh38, 1-based): chr12:115,984,221, G>T on the plus strand (C>A on the coding strand, the complement: MED13L is on the minus strand). VCF-style: chr12-115984221-G-T. GRCh37 (hg19) VCF-style: chr12-116422026-G-T.
Other names: c.4490C>A (NM_015335.4); short protein forms S1497Y.
Identifiers: ClinVar variation 3026021 (VCV003026021.23), dbSNP rs763779891, ClinGen allele CA6810790.

ClinVar aggregate classification (germline): Uncertain significance. Review status: criteria provided, multiple submitters, no conflicts (2 of 4 stars). 2 submissions from 2 submitters: Uncertain significance (2). Last evaluated 2024-05-08.

Allele frequency attached by ClinVar (database versions not stated): TOPMed below 0.00001.
gnomAD v4.1: 1 of 1,613,910 alleles (0.000062%); highest among the groups gnomAD compares: Non-Finnish European, 0.000085%; no homozygotes.

Submissions (2):

GeneDx
Classification: Uncertain significance. Last evaluated: 2024-05-08. Review status: criteria provided, single submitter. Criteria: GeneDx Variant Classification Process June 2021. Collection method: clinical testing. Allele origin: germline. Affected: yes.
Comment: In silico analysis supports that this missense variant has a deleterious effect on protein structure/function; Has not been previously published as pathogenic or benign to our knowledge

CeGaT Center for Human Genetics Tuebingen
Classification: Uncertain significance. Last evaluated: 2024-02-01. Review status: criteria provided, single submitter. Criteria: CeGaT Center For Human Genetics Tuebingen Variant Classification Criteria Version 2. Collection method: clinical testing. Allele origin: germline. Affected: yes. Observed: 1 variant allele.